The following is an entry in ClinVar:

ClinVar aggregate classification (germline): Uncertain significance (1 of 4 stars; one submission).

Conditions:
Hereditary cancer-predisposing syndrome. Also called: Neoplastic Syndromes, Hereditary; Tumor predisposition; Hereditary Cancer Syndrome; Hereditary neoplastic syndrome. Identifiers: Orphanet 140162, MedGen C0027672, MeSH D009386, MONDO:0015356.

Allele frequency attached by ClinVar (database versions not stated): gnomAD 0.00001.
gnomAD v4.1: 1 of 1,613,750 alleles (0.000062%); highest among the groups gnomAD compares: Admixed American, 0.0017%; no homozygotes.

Submission:

Ambry Genetics
Classification: Uncertain significance for Hereditary cancer-predisposing syndrome. Last evaluated: 2019-10-09. Review status: criteria provided, single submitter. Criteria: Ambry Variant Classification Scheme 2023. Collection method: clinical testing. Allele origin: germline.
Comment: The p.P30R variant (also known as c.89C>G), located in coding exon 1 of the FLCN gene, results from a C to G substitution at nucleotide position 89. The proline at codon 30 is replaced by arginine, an amino acid with dissimilar properties. This amino acid position is highly conserved in available vertebrate species. In addition, this alteration is predicted to be deleterious by in silico analysis. Since supporting evidence is limited at this time, the clinical significance of this alteration remains unclear.

NM_144997.7(FLCN):c.89C>G (p.Pro30Arg)

Gene: FLCN (folliculin; minus strand). Cytogenetic location: 17p11.2.
Variant type: single nucleotide variant.
Coding change: c.89C>G on transcript NM_144997.7 (MANE Select); coding-DNA position 89, C replaced by G.
Protein change: p.Pro30Arg; replaces proline 30 with arginine.
Molecular consequence: missense variant.
Genome position (GRCh38, 1-based): chr17:17,228,049, G>C on the plus strand (C>G on the coding strand, the complement: FLCN is on the minus strand). VCF-style: chr17-17228049-G-C. GRCh37 (hg19) VCF-style: chr17-17131363-G-C.
Other names: c.89C>G, p.Pro30Arg (NM_001353229.2, NM_001353230.2, NM_001353231.2 and 1 more transcripts); short protein forms P30R.
Identifiers: ClinVar variation 1765398 (VCV001765398.2), dbSNP rs2047311584, ClinGen allele CA398535356.